The following is an entry in ClinVar:

NM_016239.4(MYO15A):c.2987C>G (p.Pro996Arg)

Gene: MYO15A (myosin XVA; plus strand). Cytogenetic location: 17p11.2.
Variant type: single nucleotide variant.
Coding change: c.2987C>G on transcript NM_016239.4 (MANE Select); coding-DNA position 2987, C replaced by G.
Protein change: p.Pro996Arg; replaces proline 996 with arginine.
Molecular consequence: missense variant.
Genome position (GRCh38, 1-based): chr17:18,121,787, C>G. VCF-style: chr17-18121787-C-G. GRCh37 (hg19) VCF-style: chr17-18025101-C-G.
Other names: short protein forms P996R.
Identifiers: ClinVar variation 1354672 (VCV001354672.5), dbSNP rs201087528, ClinGen allele CA8423352.

ClinVar aggregate classification (germline): Uncertain significance (1 of 4 stars; one submission).

Allele frequency attached by ClinVar (database versions not stated): ExAC 0.00003; gnomAD exomes 0.00004; ESP Exome Variant Server 0.00008.
gnomAD v4.1: 53 of 1,611,696 alleles (0.0033%); highest among the groups gnomAD compares: Middle Eastern, 0.033%; no homozygotes.

Submission:

Labcorp Genetics (formerly Invitae), Labcorp
Classification: Uncertain significance. Last evaluated: 2022-09-19. Review status: criteria provided, single submitter. Criteria: Invitae Variant Classification Sherloc (09022015). Collection method: clinical testing. Allele origin: germline.
Comment: This sequence change replaces proline, which is neutral and non-polar, with arginine, which is basic and polar, at codon 996 of the MYO15A protein (p.Pro996Arg). This variant is present in population databases (rs201087528, gnomAD 0.007%). This variant has not been reported in the literature in individuals affected with MYO15A-related conditions. ClinVar contains an entry for this variant (Variation ID: 1354672). Advanced modeling of protein sequence and biophysical properties (such as structural, functional, and spatial information, amino acid conservation, physicochemical variation, residue mobility, and thermodynamic stability) performed at Invitae indicates that this missense variant is not expected to disrupt MYO15A protein function. In summary, the available evidence is currently insufficient to determine the role of this variant in disease. Therefore, it has been classified as a Variant of Uncertain Significance.